The following is an entry in ClinVar:

NM_014956.5(CEP164):c.3936C>T (p.Pro1312=)

Gene: CEP164 (centrosomal protein 164; plus strand). Cytogenetic location: 11q23.3.
Variant type: single nucleotide variant.
Coding change: c.3936C>T on transcript NM_014956.5 (MANE Select); coding-DNA position 3936, C replaced by T.
Protein change: p.Pro1312=; no amino-acid change (proline 1312 retained).
Molecular consequence: synonymous variant.
Genome position (GRCh38, 1-based): chr11:117,409,805, C>T. VCF-style: chr11-117409805-C-T. GRCh37 (hg19) VCF-style: chr11-117280521-C-T.
Other names: c.3921C>T, p.Pro1307= (NM_001271933.2); c.3942C>T, p.Pro1314= (NM_001440949.1); c.3936C>T, p.Pro1312= (NM_001440950.1, NM_001440951.1); c.3927C>T, p.Pro1309= (NM_001440952.1); c.3912C>T, p.Pro1304= (NM_001440953.1); c.3858C>T, p.Pro1286= (NM_001440954.1, NM_001440955.1); c.3849C>T, p.Pro1283= (NM_001440956.1); c.3846C>T, p.Pro1282= (NM_001440957.1); and 21 more.
Identifiers: ClinVar variation 5002637 (VCV005002637.1).
Genomic context (GRCh38, chr11:117,409,805, plus strand): 5'-GCTCCTCGCCTCCATGCCAGCCCAGCTCCCTCCCCGGGACCCTAAGAGCACCCCCACCCC[C>T]ACCTACTATGGCTCCCTGGCCAGGTTCTCAGCCTTATCATCTGCTACACCCACGTCCACC-3'
Protein context (NP_055771.4, residues 1302-1322): PPRDPKSTPT[Pro1312=]TYYGSLARFS

ClinVar aggregate classification (germline): Likely benign (1 of 4 stars; one submission).

Conditions:
CEP164-related disorder. Also called: CEP164-related condition.

Submission:

PreventionGenetics, part of Exact Sciences
Classification: Likely benign for CEP164-related condition. Last evaluated: 2024-12-03. Review status: criteria provided, single submitter. Criteria: ACMG Guidelines, 2015. Collection method: clinical testing. Allele origin: germline.
Comment: This variant is classified as likely benign based on ACMG/AMP sequence variant interpretation guidelines (Richards et al. 2015 PMID: 25741868, with internal and published modifications).